The following is an entry in ClinVar:

ClinVar aggregate classification (germline): Uncertain significance (1 of 4 stars; one submission).

Conditions:
Charcot-Marie-Tooth disease type 2. Also called: Charcot-Marie-Tooth type 2. Identifiers: Orphanet 64746, MedGen C0270914, MONDO:0018993.

Allele frequency attached by ClinVar (database versions not stated): TOPMed below 0.00001; gnomAD 0.00001.
gnomAD v4.1: 2 of 1,612,364 alleles (0.00012%); highest among the groups gnomAD compares: African/African-American, 0.0027%; no homozygotes.

Submission:

Labcorp Genetics (formerly Invitae), Labcorp
Classification: Uncertain significance for Charcot-Marie-Tooth disease type 2. Last evaluated: 2022-06-03. Review status: criteria provided, single submitter. Criteria: Invitae Variant Classification Sherloc (09022015). Collection method: clinical testing. Allele origin: germline.
Comment: This variant has not been reported in the literature in individuals affected with LMNA-related conditions. In summary, the available evidence is currently insufficient to determine the role of this variant in disease. Therefore, it has been classified as a Variant of Uncertain Significance. Algorithms developed to predict the effect of missense changes on protein structure and function (SIFT, PolyPhen-2, Align-GVGD) all suggest that this variant is likely to be disruptive. ClinVar contains an entry for this variant (Variation ID: 1052547). This variant is present in population databases (no rsID available, gnomAD 0.02%). This sequence change replaces proline, which is neutral and non-polar, with alanine, which is neutral and non-polar, at codon 391 of the LMNA protein (p.Pro391Ala).

NM_170707.4(LMNA):c.1171C>G (p.Pro391Ala)

Gene: LMNA (lamin A/C; plus strand). Cytogenetic location: 1q22.
Variant type: single nucleotide variant.
Coding change: c.1171C>G on transcript NM_170707.4 (MANE Select); coding-DNA position 1171, C replaced by G.
Protein change: p.Pro391Ala; replaces proline 391 with alanine.
Molecular consequence: missense variant.
Genome position (GRCh38, 1-based): chr1:156,136,227, C>G. VCF-style: chr1-156136227-C-G. GRCh37 (hg19) VCF-style: chr1-156106018-C-G.
Other names: c.1171C>G, p.Pro391Ala (NM_170708.4, NM_001282625.2, NM_001282626.2 and 1 more transcripts); c.835C>G, p.Pro279Ala (NM_001257374.3); c.928C>G, p.Pro310Ala (NM_001282624.2); short protein forms P279A, P310A, P391A.
Identifiers: ClinVar variation 1052547 (VCV001052547.9), dbSNP rs1436409162, ClinGen allele CA342820834.
Genomic context (GRCh38, chr1:156,136,227, plus strand): 5'-CGGCAACTGGCCTTGACTAGACCCCCACTTGGTCTCCCTCTCCCCAGGCTACGCCTGTCC[C>G]CCAGCCCTACCTCGCAGCGCAGCCGTGGCCGTGCTTCCTCTCACTCATCCCAGACACAGG-3'
Protein context (NP_733821.1, residues 381-401): EGEEERLRLS[Pro391Ala]SPTSQRSRGR